The following is an entry in ClinVar:

NM_001128159.3(VPS53):c.*2A>G

Gene: VPS53 (VPS53 subunit of GARP complex; minus strand). Cytogenetic location: 17p13.3.
Variant type: single nucleotide variant.
Coding change: c.*2A>G on transcript NM_001128159.3 (MANE Select); 2 bases downstream of the stop codon, A replaced by G.
Molecular consequence: 3 prime UTR variant.
Genome position (GRCh38, 1-based): chr17:519,126, T>C on the plus strand (A>G on the coding strand, the complement: VPS53 is on the minus strand). VCF-style: chr17-519126-T-C. GRCh37 (hg19) VCF-style: chr17-422366-T-C.
Identifiers: ClinVar variation 3061734 (VCV003061734.2), dbSNP rs753126096, ClinGen allele CA8261131.

ClinVar aggregate classification (germline): Likely benign (0 of 4 stars; one submission).

Conditions:
VPS53-related disorder. Also called: VPS53-related condition.

Allele frequency attached by ClinVar (database versions not stated): gnomAD exomes below 0.00001; gnomAD 0.00001; TOPMed 0.00002; ExAC 0.00009.
gnomAD v4.1: 11 of 1,502,144 alleles (0.00073%); highest among the groups gnomAD compares: East Asian, 0.005%; no homozygotes.

Submission:

PreventionGenetics, part of Exact Sciences
Classification: Likely benign for VPS53-related condition. Last evaluated: 2021-05-26. Review status: no assertion criteria provided. Collection method: clinical testing. Allele origin: germline.
Comment: This variant is classified as likely benign based on ACMG/AMP sequence variant interpretation guidelines (Richards et al. 2015 PMID: 25741868, with internal and published modifications).